The following is an entry in ClinVar:

ClinVar aggregate classification (germline): Likely benign (1 of 4 stars; one submission).

Submission:

CeGaT Center for Human Genetics Tuebingen
Classification: Likely benign. Last evaluated: 2026-09-01. Review status: criteria provided, single submitter. Criteria: CeGaT Center For Human Genetics Tuebingen Variant Classification Criteria Version 2. Collection method: clinical testing. Allele origin: germline. Affected: yes. Observed: 1 variant allele.
Comment: TTN: PM2:Supporting, BP4, BP7

NM_001267550.2(TTN):c.11311+1647C>T

Gene: TTN (titin; minus strand). Cytogenetic location: 2q31.2.
Variant type: single nucleotide variant.
Coding change: c.11311+1647C>T on transcript NM_001267550.2 (MANE Select); 1647 bases into the intron after coding-DNA position 11311, C replaced by T.
Molecular consequence: intron variant. On other transcripts: synonymous variant (1).
Genome position (GRCh38, 1-based): chr2:178,751,477, G>A on the plus strand (C>T on the coding strand, the complement: TTN is on the minus strand). VCF-style: chr2-178751477-G-A. GRCh37 (hg19) VCF-style: chr2-179616204-G-A.
Other names: c.10923C>T, p.Pro3641= (NM_133379.5); c.10222+1647C>T (NM_003319.4); c.10798+1647C>T (NM_133437.4); c.10597+1647C>T (NM_133432.3); c.10360+1647C>T (NM_133378.4, NM_001256850.1).
Identifiers: ClinVar variation 5041671 (VCV005041671.1).